The following is an entry in ClinVar:

ClinVar aggregate classification (germline): Uncertain significance (1 of 4 stars; one submission).

Conditions:
Au-Kline syndrome. Also called: Neurodevelopmental disorder-craniofacial dysmorphism-cardiac defect-hip dysplasia syndrome due to a point mutation; Okamoto syndrome. Identifiers: Orphanet 2729, Orphanet 453499, Orphanet 453504, MedGen C4225274, MONDO:0014700, OMIM 616580.

Submission:

Juno Genomics, Hangzhou Juno Genomics, Inc
Classification: Uncertain significance for Au-Kline syndrome. Review status: criteria provided, single submitter. Criteria: ACMG Guidelines, 2015. Collection method: clinical testing. Allele origin: germline.
Comment: Absent from controls (or at extremely low frequency if recessive) in Genome Aggregation Database.;De novo (both maternity and paternity confirmed) in a patient with the disease and no family history.;Patient's phenotype or family history is highly specific for a disease with a single genetic etiology.

NM_031263.4(HNRNPK):c.581T>C (p.Leu194Pro)

Genes: HNRNPK (heterogeneous nuclear ribonucleoprotein K; minus strand), HNRNPK-AS1 (HNRNPK antisense RNA 1; plus strand). Cytogenetic location: 9q21.32.
Variant type: single nucleotide variant.
Coding change: c.581T>C on transcript NM_031263.4 (MANE Select); coding-DNA position 581, T replaced by C.
Protein change: p.Leu194Pro; replaces leucine 194 with proline.
Molecular consequence: missense variant.
Genome position (GRCh38, 1-based): chr9:83,972,908, A>G on the plus strand (T>C on the coding strand, the complement: HNRNPK is on the minus strand). VCF-style: chr9-83972908-A-G. GRCh37 (hg19) VCF-style: chr9-86587823-A-G.
Other names: c.509T>C, p.Leu170Pro (NM_001318186.2, NM_001318187.2); c.581T>C, p.Leu194Pro (NM_001318188.2, NM_002140.5, NM_031262.4); short protein forms L170P, L194P.
Identifiers: ClinVar variation 5007468 (VCV005007468.2).